The following is an entry in ClinVar:

NM_001943.5(DSG2):c.671G>A (p.Ser224Asn)

Gene: DSG2 (desmoglein 2; plus strand). Cytogenetic location: 18q12.1.
Variant type: single nucleotide variant.
Coding change: c.671G>A on transcript NM_001943.5 (MANE Select); coding-DNA position 671, G replaced by A.
Protein change: p.Ser224Asn; replaces serine 224 with asparagine.
Molecular consequence: missense variant.
Genome position (GRCh38, 1-based): chr18:31,522,230, G>A. VCF-style: chr18-31522230-G-A. GRCh37 (hg19) VCF-style: chr18-29102193-G-A.
Other names: short protein forms S224N.
Identifiers: ClinVar variation 3705327 (VCV003705327.2).

ClinVar aggregate classification (germline): Uncertain significance (1 of 4 stars; one submission).

Conditions:
Arrhythmogenic right ventricular dysplasia 10. Also called: Arrhythmogenic Right Ventricular Dysplasia/Cardiomyopathy10; ARRHYTHMOGENIC RIGHT VENTRICULAR DYSPLASIA, FAMILIAL, 10; Arrhythmogenic right ventricular dysplasia/cardiomyopathy, type 10. Identifiers: MedGen C1857777, MONDO:0012434, OMIM 610193.

gnomAD v4.1: 5 of 1,613,642 alleles (0.00031%); highest among the groups gnomAD compares: Non-Finnish European, 0.00042%; no homozygotes.

Submission:

Labcorp Genetics (formerly Invitae), Labcorp
Classification: Uncertain significance for Arrhythmogenic right ventricular dysplasia 10. Last evaluated: 2025-11-09. Review status: criteria provided, single submitter. Criteria: Invitae Variant Classification Sherloc (09022015). Collection method: clinical testing. Allele origin: germline.
Comment: This sequence change replaces serine, which is neutral and polar, with asparagine, which is neutral and polar, at codon 224 of the DSG2 protein (p.Ser224Asn). This variant is not present in population databases (gnomAD no frequency). This variant has not been reported in the literature in individuals affected with DSG2-related conditions. ClinVar contains an entry for this variant (Variation ID: 3705327). Invitae Evidence Modeling of protein sequence and biophysical properties (such as structural, functional, and spatial information, amino acid conservation, physicochemical variation, residue mobility, and thermodynamic stability) indicates that this missense variant is not expected to disrupt DSG2 protein function with a negative predictive value of 95%. In summary, the available evidence is currently insufficient to determine the role of this variant in disease. Therefore, it has been classified as a Variant of Uncertain Significance.